The following is an entry in ClinVar:

NM_153365.3(TAPT1):c.1090A>T (p.Asn364Tyr)

Gene: TAPT1 (transmembrane anterior posterior transformation 1; minus strand). Cytogenetic location: 4p15.32.
Variant type: single nucleotide variant.
Coding change: c.1090A>T on transcript NM_153365.3 (MANE Select); coding-DNA position 1090, A replaced by T.
Protein change: p.Asn364Tyr; replaces asparagine 364 with tyrosine.
Molecular consequence: missense variant.
Genome position (GRCh38, 1-based): chr4:16,176,136, T>A on the plus strand (A>T on the coding strand, the complement: TAPT1 is on the minus strand). VCF-style: chr4-16176136-T-A. GRCh37 (hg19) VCF-style: chr4-16177759-T-A.
Other names: short protein forms N364Y.
Identifiers: ClinVar variation 1517161 (VCV001517161.8), dbSNP rs2149676147, ClinGen allele CA356494740.

ClinVar aggregate classification (germline): Uncertain significance (1 of 4 stars; one submission).

Submission:

Labcorp Genetics (formerly Invitae), Labcorp
Classification: Uncertain significance. Last evaluated: 2020-11-24. Review status: criteria provided, single submitter. Criteria: Invitae Variant Classification Sherloc (09022015). Collection method: clinical testing. Allele origin: germline.
Comment: This sequence change replaces asparagine with tyrosine at codon 364 of the TAPT1 protein (p.Asn364Tyr). The asparagine residue is highly conserved and there is a large physicochemical difference between asparagine and tyrosine. In summary, the available evidence is currently insufficient to determine the role of this variant in disease. Therefore, it has been classified as a Variant of Uncertain Significance. Algorithms developed to predict the effect of missense changes on protein structure and function are either unavailable or do not agree on the potential impact of this missense change (SIFT: "Deleterious"; PolyPhen-2: "Probably Damaging"; Align-GVGD: "Class C15"). This variant has not been reported in the literature in individuals with TAPT1-related conditions. This variant is not present in population databases (ExAC no frequency).